The following is an entry in ClinVar:

ClinVar aggregate classification (germline): Uncertain significance (1 of 4 stars; one submission).

Conditions:
EHHADH-related disorder. Also called: EHHADH-related condition.

Submission:

PreventionGenetics, part of Exact Sciences
Classification: Uncertain significance for EHHADH-related condition. Last evaluated: 2025-01-17. Review status: criteria provided, single submitter. Criteria: ACMG Guidelines, 2015. Collection method: clinical testing. Allele origin: germline.
Comment: The EHHADH c.28_54del27 variant is predicted to result in an in-frame deletion (p.Ala10_Asn18del). To our knowledge, this variant has not been reported in the literature. This variant is reported in 0.0029% of alleles in individuals of Latino descent in gnomAD. At this time, the clinical significance of this variant is uncertain due to the absence of conclusive functional and genetic evidence.

NM_001966.4(EHHADH):c.28_54del (p.Ala10_Asn18del)

Gene: EHHADH (enoyl-CoA hydratase and 3-hydroxyacyl CoA dehydrogenase; minus strand). Cytogenetic location: 3q27.2.
Variant type: Deletion.
Coding change: c.28_54del on transcript NM_001966.4 (MANE Select); coding-DNA positions 28 to 54, 27 bases deleted (GCCTTGGCGCTAATCCGCCTCCGAAAC).
Protein change: p.Ala10_Asn18del.
Molecular consequence: inframe deletion. On other transcripts: 5 prime UTR variant (1).
Genome position (GRCh38, 1-based): chr3:185,253,969-185,253,995, GTTTCGGAGGCGGATTAGCGCCAAGGC deleted on the plus strand (GCCTTGGCGCTAATCCGCCTCCGAAAC on the coding strand, the reverse complement: EHHADH is on the minus strand); deleting any 27 consecutive bases within chr3:185,253,969-185,253,998 gives the same sequence; the c. name uses the placement nearest the transcript's 3' end. VCF-style (leftmost placement, unchanged base first): chr3-185253968-GGTTTCGGAGGCGGATTAGCGCCAAGGC-G. GRCh37 (hg19) VCF-style: chr3-184971756-GGTTTCGGAGGCGGATTAGCGCCAAGGC-G.
Other names: c.-384_-358del (NM_001166415.2).
Identifiers: ClinVar variation 4984144 (VCV004984144.1).